The following is an entry in ClinVar:

NM_001367823.1(ARHGEF18):c.3559G>A (p.Val1187Met)

Gene: ARHGEF18 (Rho/Rac guanine nucleotide exchange factor 18; plus strand). Cytogenetic location: 19p13.2.
Variant type: single nucleotide variant.
Coding change: c.3559G>A on transcript NM_001367823.1 (MANE Select); coding-DNA position 3559, G replaced by A.
Protein change: p.Val1187Met; replaces valine 1187 with methionine.
Molecular consequence: missense variant.
Genome position (GRCh38, 1-based): chr19:7,468,903, G>A. VCF-style: chr19-7468903-G-A. GRCh37 (hg19) VCF-style: chr19-7533789-G-A.
Other names: c.2833G>A, p.Val945Met (NM_001130955.2); c.2521G>A, p.Val841Met (NM_001367824.1, NM_015318.4); short protein forms V945M, V841M, V1187M.
Identifiers: ClinVar variation 1345936 (VCV001345936.6), dbSNP rs754464153, ClinGen allele CA9137172.

ClinVar aggregate classification (germline): Uncertain significance (1 of 4 stars; one submission).

gnomAD v4.1: 32 of 1,575,464 alleles (0.002%); highest among the groups gnomAD compares: East Asian, 0.0047%; no homozygotes.

Submission:

Labcorp Genetics (formerly Invitae), Labcorp
Classification: Uncertain significance. Last evaluated: 2022-08-09. Review status: criteria provided, single submitter. Criteria: Invitae Variant Classification Sherloc (09022015). Collection method: clinical testing. Allele origin: germline.
Comment: Algorithms developed to predict the effect of missense changes on protein structure and function (SIFT, PolyPhen-2, Align-GVGD) all suggest that this variant is likely to be tolerated. This sequence change replaces valine, which is neutral and non-polar, with methionine, which is neutral and non-polar, at codon 999 of the ARHGEF18 protein (p.Val999Met). The frequency data for this variant in the population databases is considered unreliable, as metrics indicate poor data quality at this position in the gnomAD database. This variant has not been reported in the literature in individuals affected with ARHGEF18-related conditions. ClinVar contains an entry for this variant (Variation ID: 1345936). In summary, the available evidence is currently insufficient to determine the role of this variant in disease. Therefore, it has been classified as a Variant of Uncertain Significance.